The following is an entry in ClinVar:

ClinVar aggregate classification (germline): Likely pathogenic (1 of 4 stars; one submission).

Submission:

Quest Diagnostics Nichols Institute San Juan Capistrano
Classification: Likely pathogenic. Last evaluated: 2021-08-12. Review status: criteria provided, single submitter. Criteria: ACMG/ClinGen CNV Guidelines, 2019. Collection method: clinical testing. Allele origin: unknown.
Comment: This copy number gain involves multiple genes and is a recurrent genomic imbalance. It confers susceptibility to a range of neurodevelopmental disorders including autism spectrum disorder, developmental delay, intellectual disability, and speech delay. Additionally, increased risk for cardiovascular disease has been noted (Allach El Khattabi et al., J Med Genet. 2018 Oct 4. Pii: jmedgenet-2018-105389. PMID: 30287593). The clinical significance of this recurrent duplication has been debated, because similar duplications are repeatedly observed in uncharacterized controls and in unaffected relatives (Ullmann R et al., Hum Mutat. 2007 Jul;28(7):674-82.PMID: 17480035; Hannes FD et al., J Med Genet. 2009 Apr;46(4):223-32. PMID: 18550696). However, the duplication is enriched in patients versus controls in multiple case-control studies (Kendall et al. Br J Psychiatry. 2019 May;214(5):297-304. PMID: 30767844; Coe et al., Nat Genet. 2014 Oct;46(10):1063-71., PMID: 25217958; Girirajan et al., N Engl J Med. 2012 Oct 4;367(14):1321-31., PMID: 22970919), with some exceptions (Kaminsky et al., Genet Med. 2011 Sep;13(9):777-84., PMID: 21844811). A male-biased effect on the penetrance of the neurodevelopmental phenotypes has been reported (Tropeano M et al., PLoS One. 2013 Apr 18;8(4):e61365.; PMID: 23637818). Thus, the clinical significance of this copy number variant (CNV) is likely pathogenic. Please note: because of variable phenotypic expressivity, incomplete penetrance, and occurrence in control populations, it is best interpreted as a susceptibility locus.

GRCh37/hg19 16p13.11(chr16:15423704-16327961)x3

Genes: ABCC1 (ATP binding cassette subfamily C member 1 (ABCC1 blood group); plus strand), ABCC6 (ATP binding cassette subfamily C member 6; minus strand), BMERB1 (bMERB domain containing 1; plus strand), CEP20 (centrosomal protein 20; minus strand), MARF1 (meiosis regulator and mRNA stability factor 1; minus strand) and 5 more. Cytogenetic location: 16p13.11.
Variant type: copy number gain.
Change: copy number 3 (three copies instead of two) of chr16:15,423,704-16,327,961 (904.3 kb, GRCh37 coordinates, 1-based), cytogenetic band 16p13.11.
Identifiers: ClinVar variation 1807737 (VCV001807737.1).